The following is an entry in ClinVar:

ClinVar aggregate classification (germline): Pathogenic/Likely pathogenic. Review status: criteria provided, multiple submitters, no conflicts (2 of 4 stars). 3 submissions from 3 submitters: Pathogenic (2); Likely pathogenic (1). Last evaluated 2026-04-01.

Conditions:
L1CAM-related disorders.
Spastic paraplegia. Identifiers: MedGen C0037772, HP:0001258.

Submissions (3):

GeneDx
Classification: Likely pathogenic. Last evaluated: 2026-04-01. Review status: criteria provided, single submitter. Criteria: GeneDx Variant Classification Process June 2021. Collection method: clinical testing. Allele origin: germline.
Comment: Canonical splice site variant predicted to result in an in-frame loss of the adjacent exon in a gene for which loss of function is a known mechanism of disease; Not observed at significant frequency in large population cohorts (gnomAD); This variant is associated with the following publications: (PMID: 25525159, 9452098, 35361400, 25641508, 19846429, 21961551, 38693247, 9744477, 14673643)

Labcorp Genetics (formerly Invitae), Labcorp
Classification: Pathogenic for Spastic paraplegia. Last evaluated: 2023-04-06. Review status: criteria provided, single submitter. Criteria: Invitae Variant Classification Sherloc (09022015). Collection method: clinical testing. Allele origin: germline.
Comment: Algorithms developed to predict the effect of sequence changes on RNA splicing suggest that this variant may disrupt the consensus splice site. For these reasons, this variant has been classified as Pathogenic. Disruption of this splice site has been observed in individual(s) with clinical features of X-linked hydrocephalus with stenosis of the aqueduct of Sylvius (PMID: 9452098). It has also been observed to segregate with disease in related individuals. This variant is not present in population databases (gnomAD no frequency). This sequence change affects a donor splice site in intron 21 of the L1CAM gene. It is expected to disrupt RNA splicing. Variants that disrupt the donor or acceptor splice site typically lead to a loss of protein function (PMID: 16199547), and loss-of-function variants in L1CAM are known to be pathogenic (PMID: 19846429).

Blueprint Genetics
Classification: Pathogenic for L1CAM-related disorders. Last evaluated: 2022-11-24. Review status: criteria provided, single submitter. Criteria: ACMG Guidelines, 2015. Collection method: clinical testing. Allele origin: germline. Affected: yes. Observed: 1 variant allele.

Literature cited by the submitters: PubMed 9452098 (cited by Labcorp Genetics (formerly Invitae), Labcorp); PubMed 16199547 (cited by Labcorp Genetics (formerly Invitae), Labcorp); PubMed 19846429 (cited by Labcorp Genetics (formerly Invitae), Labcorp).

NM_001278116.2(L1CAM):c.2872+1G>A

Gene: L1CAM (L1 cell adhesion molecule; minus strand). Cytogenetic location: Xq28.
Variant type: single nucleotide variant.
Coding change: c.2872+1G>A on transcript NM_001278116.2 (MANE Select); the canonical splice donor site of the intron after coding-DNA position 2872, G replaced by A.
Molecular consequence: splice donor variant.
Genome position (GRCh38, 1-based): chrX:153,865,087, C>T on the plus strand (G>A on the coding strand, the complement: L1CAM is on the minus strand). VCF-style: chrX-153865087-C-T. GRCh37 (hg19) VCF-style: chrX-153130542-C-T.
Other names: c.2857+1G>A (NM_001143963.2); c.2872+1G>A (NM_024003.3, NM_000425.5).
Identifiers: ClinVar variation 2737422 (VCV002737422.5), dbSNP rs2148493825, ClinGen allele CA415114578.